The following is an entry in ClinVar:

ClinVar aggregate classification (germline): Uncertain significance. Review status: criteria provided, multiple submitters, no conflicts (2 of 4 stars). 3 submissions from 3 submitters: Uncertain significance (3). Last evaluated 2025-08-21.

Conditions:
Inborn genetic diseases. Identifiers: MedGen C0950123, MeSH D030342.
Beta-D-mannosidosis (MANSB). Also called: BETA-MANNOSIDASE DEFICIENCY; LYSOSOMAL BETA-MANNOSIDASE DEFICIENCY; Beta-Mannosidosis; MANNOSIDOSIS, BETA A, LYSOSOMAL. Identifiers: Orphanet 118, MedGen C4048196, MONDO:0009562, OMIM 248510.

Allele frequency attached by ClinVar (database versions not stated): gnomAD exomes 0.00014 and 0.00007; gnomAD below 0.00001 and 0.00005; ExAC 0.00018; TOPMed below 0.00001; 1000 Genomes Project 30x 0.00031; 1000 Genomes Project 0.00040.
gnomAD v4.1: 105 of 1,614,244 alleles (0.0065%); highest among the groups gnomAD compares: South Asian, 0.11%; no homozygotes.

Submissions (3):

Ambry Genetics
Classification: Uncertain significance for Inborn genetic diseases. Last evaluated: 2025-08-21. Review status: criteria provided, single submitter. Criteria: Ambry Variant Classification Scheme 2023. Collection method: clinical testing. Allele origin: germline.

Labcorp Genetics (formerly Invitae), Labcorp
Classification: Uncertain significance for Beta-D-mannosidosis. Last evaluated: 2021-08-24. Review status: criteria provided, single submitter. Criteria: Invitae Variant Classification Sherloc (09022015). Collection method: clinical testing. Allele origin: germline.
Comment: This sequence change replaces cysteine with serine at codon 761 of the MANBA protein (p.Cys761Ser). The cysteine residue is highly conserved and there is a moderate physicochemical difference between cysteine and serine. This variant is present in population databases (rs538584064, ExAC 0.1%). This variant has not been reported in the literature in individuals affected with MANBA-related conditions. Algorithms developed to predict the effect of missense changes on protein structure and function are either unavailable or do not agree on the potential impact of this missense change (SIFT: "Tolerated"; PolyPhen-2: "Possibly Damaging"; Align-GVGD: "Class C0"). In summary, the available evidence is currently insufficient to determine the role of this variant in disease. Therefore, it has been classified as a Variant of Uncertain Significance.

Neuberg Centre For Genomic Medicine, NCGM
Classification: Uncertain significance for Beta-D-mannosidosis. Review status: criteria provided, single submitter. Criteria: ACMG Guidelines, 2015. Collection method: clinical testing. Allele origin: germline. Inheritance: Autosomal recessive inheritance. Affected: yes.
Comment: The missense variant c.2282G>C (p.Cys761Ser) in MANBA gene has not been reported previously as a pathogenic variant nor as a benign variant, to our knowledge. This variant has been reported to the ClinVar database as Uncertain Significance. The p.Cys761Ser variant is novel (not in any individuals) in 1000 Genomes and allele frequency of 0.01392% is reported in gnomAD. The amino acid Cys at position 761 is changed to a Ser changing protein sequence and it might alter its composition and physico-chemical properties. The amino acid change p.Cys761Ser in MANBA is predicted as conserved by GERP++ and PhyloP across 100 vertebrates. For these reasons, this variant has been classified as Uncertain Significance.

NM_005908.4(MANBA):c.2282G>C (p.Cys761Ser)

Gene: MANBA (mannosidase beta; minus strand). Cytogenetic location: 4q24.
Variant type: single nucleotide variant.
Coding change: c.2282G>C on transcript NM_005908.4 (MANE Select); coding-DNA position 2282, G replaced by C.
Protein change: p.Cys761Ser; replaces cysteine 761 with serine.
Molecular consequence: missense variant.
Genome position (GRCh38, 1-based): chr4:102,634,921, C>G on the plus strand (G>C on the coding strand, the complement: MANBA is on the minus strand). VCF-style: chr4-102634921-C-G. GRCh37 (hg19) VCF-style: chr4-103556078-C-G.
Other names: short protein forms C761S.
Identifiers: ClinVar variation 475412 (VCV000475412.6), dbSNP rs538584064, ClinGen allele CA3026657.
Genomic context (GRCh38, chr4:102,634,921, plus strand): 5'-AGTTCATGGTCAGCTGAAAGGTAAAAGGAAACCACACAGCTTTCCCGTGTGCAATTCCCA[C>G]ATCTCCTCAGCAATTCAGACACTGGCTCCTCATAAAGGCAGACAGCCTCTCCTCCTTTCA-3'
Protein context (NP_005899.3, residues 751-771): EEPVSELLRR[Cys761Ser]GNCTRESCVV